The following is an entry in ClinVar:

NM_133433.4(NIPBL):c.5862+1G>C

Gene: NIPBL (NIPBL cohesin loading factor; plus strand). Cytogenetic location: 5p13.2.
Variant type: single nucleotide variant.
Coding change: c.5862+1G>C on transcript NM_133433.4 (MANE Select); the canonical splice donor site of the intron after coding-DNA position 5862, G replaced by C.
Molecular consequence: splice donor variant.
Genome position (GRCh38, 1-based): chr5:37,027,413, G>C. VCF-style: chr5-37027413-G-C. GRCh37 (hg19) VCF-style: chr5-37027515-G-C.
Other names: c.5862+1G>C (NM_001438586.1, NM_015384.5).
Identifiers: ClinVar variation 5001359 (VCV005001359.1).

ClinVar aggregate classification (germline): Likely pathogenic (1 of 4 stars; one submission).

Conditions:
NIPBL-related disorder. Also called: NIPBL-related condition.

Submission:

PreventionGenetics, part of Exact Sciences
Classification: Likely pathogenic for NIPBL-related condition. Last evaluated: 2024-12-07. Review status: criteria provided, single submitter. Criteria: ACMG Guidelines, 2015. Collection method: clinical testing. Allele origin: germline.
Comment: The NIPBL c.5862+1G>C variant is predicted to disrupt the GT donor site and interfere with normal splicing. This variant is predicted to result in a loss of the canonical donor site and creation of a cryptic donor site 40 nucleotides away from the canonical donor site in intron 32 (SpliceAI, Jaganathan et al. 2019. PubMed ID: 30661751; Alamut Visual v1.6.1. However, the use of computer prediction programs is not equivalent to functional evidence. To our knowledge, this variant has not been reported in the literature or in a large population database (gnomAD), indicating this variant is rare. A different variant affecting the same canonical donor site, c.5862+1del, has been reported de novo in an individual with Cornelia de Lange syndrome (Krawczynska et al. 2019. PubMed ID: 31157197). Functional studies of the c.5862+1del variant revealed that the variant resulted in an insertion of 40 nucleotides from intron 32, which was predicted to result in protein truncation and loss of H3, H4, and H5 protein domains (Krawczynska et al. 2019. PubMed ID: 31157197). This variant is interpreted as likely pathogenic.